The following is an entry in ClinVar:

ClinVar aggregate classification (germline): Conflicting classifications of pathogenicity. Review status: criteria provided, conflicting classifications (1 of 4 stars). 11 submissions from 11 submitters: Uncertain significance (1); Benign (3); Likely benign (5). 2 of the submissions do not count toward it. Last evaluated 2026-06-01.

Conditions:
Cerebroretinal microangiopathy with calcifications and cysts 1 (CRMCC1). Identifiers: Orphanet 313838, MedGen C4552029, MONDO:0024564, OMIM 612199.
Dyskeratosis congenita. Identifiers: Orphanet 1775, MedGen C0265965, MONDO:0015780.

Allele frequency attached by ClinVar (database versions not stated): gnomAD exomes 0.00070 and 0.00135; 1000 Genomes Project 0.00080; 1000 Genomes Project 30x 0.00094; ExAC 0.00118; gnomAD 0.00131 and 0.00136; ESP Exome Variant Server 0.00135; TOPMed 0.00164.
gnomAD v4.1: 1,315 of 1,603,758 alleles (0.082%); highest among the groups gnomAD compares: Middle Eastern, 0.28%; 5 homozygotes.

Submissions (11):

CeGaT Center for Human Genetics Tuebingen
Classification: Likely benign. Last evaluated: 2026-06-01. Review status: criteria provided, single submitter. Criteria: CeGaT Center For Human Genetics Tuebingen Variant Classification Criteria Version 2. Collection method: clinical testing. Allele origin: germline. Affected: yes. Observed: 2 variant alleles.
Comment: CTC1: BP4, BP7

Labcorp Genetics (formerly Invitae), Labcorp
Classification: Benign for Dyskeratosis congenita. Last evaluated: 2026-01-28. Review status: criteria provided, single submitter. Criteria: Invitae Variant Classification Sherloc (09022015). Collection method: clinical testing. Allele origin: germline.

Mayo Clinic Laboratories, Mayo Clinic
Classification: Benign. Last evaluated: 2025-05-29. Review status: criteria provided, single submitter. Criteria: ACMG Guidelines, 2015. Collection method: clinical testing. Allele origin: germline. Observed: 1 variant allele.
Comment: BS1, BS2, BP4, BP7

Blueprint Genetics
Classification: Likely benign. Last evaluated: 2024-10-24. Review status: criteria provided, single submitter. Criteria: ACMG Guidelines, 2015. Collection method: clinical testing. Allele origin: germline.

Center for Genomics, Ann and Robert H. Lurie Children's Hospital of Chicago
Classification: Likely benign for Cerebroretinal microangiopathy with calcifications and cysts 1. Last evaluated: 2023-01-18. Review status: criteria provided, single submitter. Criteria: ACMG Guidelines, 2015. Collection method: clinical testing. Allele origin: germline.
Comment: This variant has not been reported in the literature but is present in the Genome Aggregation Database (Highest reported MAF 0.2% [72/34082]). This variant is present in ClinVar, with several labs classifying this variant as Likely Benign or Benign (Variation ID: 241581). Evolutionary conservation and computational prediction tools for this variant are limited or unavailable. Of note, this is a silent variant and does not change the amino acid, reducing the probability that this variant is disease-causing. In summary, data on this variant suggests that this variant does not cause disease but requires further evidence. Therefore, this variant is classified as likely benign.

Genome-Nilou Lab
Classification: Likely benign for Cerebroretinal microangiopathy with calcifications and cysts 1. Last evaluated: 2021-07-15. Review status: criteria provided, single submitter. Criteria: ACMG Guidelines, 2015. Collection method: clinical testing. Allele origin: germline. Affected: no.

GeneDx
Classification: Likely benign. Last evaluated: 2019-07-05. Review status: criteria provided, single submitter. Criteria: GeneDx Variant Classification Process June 2021. Collection method: clinical testing. Allele origin: germline. Affected: yes.

Illumina Laboratory Services, Illumina
Classification: Uncertain significance for Dyskeratosis congenita. Last evaluated: 2018-01-13. Review status: criteria provided, single submitter. Criteria: ICSL Variant Classification Criteria 13 December 2019. Collection method: clinical testing. Allele origin: germline.

Genetic Services Laboratory, University of Chicago
Classification: Benign. Last evaluated: 2017-12-11. Review status: criteria provided, single submitter. Criteria: ACMG Guidelines, 2015. Collection method: clinical testing. Allele origin: germline. Affected: no.

Clinical Genetics DNA and cytogenetics Diagnostics Lab, Erasmus MC, Erasmus Medical Center
Classification: Likely benign. Review status: no assertion criteria provided. Collection method: clinical testing. Allele origin: germline. Affected: yes. Study: VKGL Data-share Consensus. Not counted in ClinVar's aggregate classification.

Laboratory of Diagnostic Genome Analysis, Leiden University Medical Center (LUMC)
Classification: Likely benign. Review status: no assertion criteria provided. Collection method: clinical testing. Allele origin: germline. Affected: yes. Study: VKGL Data-share Consensus. Not counted in ClinVar's aggregate classification.

NM_025099.6(CTC1):c.2478A>G (p.Thr826=)

Gene: CTC1 (CST telomere replication complex component 1; minus strand). Cytogenetic location: 17p13.1.
Variant type: single nucleotide variant.
Coding change: c.2478A>G on transcript NM_025099.6 (MANE Select); coding-DNA position 2478, A replaced by G.
Protein change: p.Thr826=; no amino-acid change (threonine 826 retained).
Molecular consequence: synonymous variant. On other transcripts: non-coding transcript variant (1).
Genome position (GRCh38, 1-based): chr17:8,231,467, T>C on the plus strand (A>G on the coding strand, the complement: CTC1 is on the minus strand). VCF-style: chr17-8231467-T-C. GRCh37 (hg19) VCF-style: chr17-8134785-T-C.
Other names: p.Thr826=.
Identifiers: ClinVar variation 241581 (VCV000241581.36), dbSNP rs200643329, ClinGen allele CA8372049.